The following is an entry in ClinVar:

ClinVar aggregate classification (germline): Uncertain significance (0 of 4 stars; one submission).

Conditions:
FGFR1-related disorder. Also called: FGFR1-related disorders; FGFR1-related condition. Identifiers: MedGen CN380097.

Submission:

PreventionGenetics, part of Exact Sciences
Classification: Uncertain significance for FGFR1-related condition. Last evaluated: 2024-03-01. Review status: no assertion criteria provided. Collection method: clinical testing. Allele origin: germline.
Comment: The FGFR1 c.824T>A variant is predicted to result in the amino acid substitution p.Phe275Tyr. To our knowledge, this variant has not been reported in the literature or in a large population database, indicating this variant is rare. A different missense impacting the same amino acid (p.Phe275Ile) has been reported in an individual with congenital hypogonadotrophic hypogonadism (Nie et al. 2021. PubMed ID: 33548149). Although we suspect that the c.824T>A (p.Phe275Tyr) variant may be pathogenic, at this time, the clinical significance of this variant is uncertain due to the absence of conclusive functional and genetic evidence.

NM_023110.3(FGFR1):c.824T>A (p.Phe275Tyr)

Gene: FGFR1 (fibroblast growth factor receptor 1; minus strand). Cytogenetic location: 8p11.23.
Variant type: single nucleotide variant.
Coding change: c.824T>A on transcript NM_023110.3 (MANE Select); coding-DNA position 824, T replaced by A.
Protein change: p.Phe275Tyr; replaces phenylalanine 275 with tyrosine.
Molecular consequence: missense variant.
Genome position (GRCh38, 1-based): chr8:38,424,621, A>T on the plus strand (T>A on the coding strand, the complement: FGFR1 is on the minus strand). VCF-style: chr8-38424621-A-T. GRCh37 (hg19) VCF-style: chr8-38282139-A-T.
Other names: c.824T>A, p.Phe275Tyr (NM_000604.2, NM_001174063.2); c.800T>A, p.Phe267Tyr (NM_001174064.2); c.818T>A, p.Phe273Tyr (NM_001174065.2, NM_001354367.2, NM_001354369.2 and 2 more transcripts); c.557T>A, p.Phe186Tyr (NM_001174066.2, NM_023105.3); c.917T>A, p.Phe306Tyr (NM_001174067.2); c.551T>A, p.Phe184Tyr (NM_001354368.2, NM_001354370.2, NM_023106.3); short protein forms F184Y, F186Y, F267Y, F273Y, F275Y, F306Y.
Identifiers: ClinVar variation 3061228 (VCV003061228.2), dbSNP rs2150821457, ClinGen allele CA370735024.
Genomic context (GRCh38, chr8:38,424,621, plus strand): 5'-ACCTCGATGTGCTTTAGCCACTGGATGTGCGGCTGCGGGTCACTGTACACCTTACACATG[A>T]ACTCCACGTTGCTACCCAGGGCCACTGTTTTGTTGGCGGGCAACCCTGCTTGCAGGATGG-3'
Protein context (NP_075598.2, residues 265-285): KTVALGSNVE[Phe275Tyr]MCKVYSDPQP